The following is an entry in ClinVar:

ClinVar aggregate classification (germline): Uncertain significance (1 of 4 stars; one submission).

Submission:

GeneDx
Classification: Uncertain significance. Last evaluated: 2026-02-12. Review status: criteria provided, single submitter. Criteria: GeneDx Variant Classification Process June 2021. Collection method: clinical testing. Allele origin: germline.
Comment: Not observed at significant frequency in large population cohorts (gnomAD); In silico analysis supports that this missense variant has a deleterious effect on protein structure/function; Has not been previously published as pathogenic or benign to our knowledge

NM_016604.4(KDM3B):c.4412A>C (p.Lys1471Thr)

Gene: KDM3B (lysine demethylase 3B; plus strand). Cytogenetic location: 5q31.2.
Variant type: single nucleotide variant.
Coding change: c.4412A>C on transcript NM_016604.4 (MANE Select); coding-DNA position 4412, A replaced by C.
Protein change: p.Lys1471Thr; replaces lysine 1471 with threonine.
Molecular consequence: missense variant.
Genome position (GRCh38, 1-based): chr5:138,426,975, A>C. VCF-style: chr5-138426975-A-C. GRCh37 (hg19) VCF-style: chr5-137762664-A-C.
Other names: short protein forms K1471T.
Identifiers: ClinVar variation 5008011 (VCV005008011.1).